The following is an entry in ClinVar:

NM_004484.4(GPC3):c.645dup (p.Met216fs)

Gene: GPC3 (glypican 3; minus strand). Cytogenetic location: Xq26.2.
Variant type: Duplication.
Coding change: c.645dup on transcript NM_004484.4 (MANE Select); coding-DNA position 645, one base duplicated (T; older notation c.645dupT).
Protein change: p.Met216fs; shifts the reading frame from methionine 216.
Molecular consequence: frameshift variant.
Genome position (GRCh38, 1-based): chrX:133,753,869, A duplicated on the plus strand (T on the coding strand, the reverse complement: GPC3 is on the minus strand); the first of 2 consecutive A bases (chrX:133,753,869-133,753,870); duplicating either gives the same sequence. VCF-style (leftmost placement, unchanged base first): chrX-133753868-T-TA. GRCh37 (hg19) VCF-style: chrX-132887895-T-TA.
Other names: c.645dup, p.Met216fs (NM_001164617.2); c.597dup, p.Met200fs (NM_001164618.2); c.483dup, p.Met162fs (NM_001164619.2); c.645dup (NM_004484.3); short protein forms M162fs, M200fs, M216fs.
Identifiers: ClinVar variation 3378088 (VCV003378088.3).

ClinVar aggregate classification (germline): Pathogenic/Likely pathogenic. Review status: criteria provided, multiple submitters, no conflicts (2 of 4 stars). 2 submissions from 2 submitters: Pathogenic (1); Likely pathogenic (1). Last evaluated 2025-12-30.

Conditions:
Simpson-Golabi-Behmel syndrome type 1 (SGBS1). Also called: GOLABI-ROSEN SYNDROME; BULLDOG SYNDROME; SIMPSON DYSMORPHIA SYNDROME; GPC3-Related Simpson-Golabi-Behmel Syndrome Type 1; DYSPLASIA GIGANTISM SYNDROME, X-LINKED. Identifiers: Orphanet 373, MedGen C0796154, MONDO:0020602, OMIM 312870.

Submissions (2):

Variantyx, Inc.
Classification: Likely pathogenic for Simpson-Golabi-Behmel syndrome type 1. Last evaluated: 2025-12-30. Review status: criteria provided, single submitter. Criteria: Variantyx Assertion Criteria 2022. Collection method: clinical testing. Allele origin: maternal. Inheritance: X-linked recessive inheritance.
Comment: This is a frameshift variant in the GPC3 gene (OMIM: 300037). Pathogenic variants in this gene have been associated with X-linked Simpson-Golabi-Behmel syndrome type 1. This variant introduces a premature termination codon in exon 3 out of 8 and is expected to result in loss of function, which is a known disease mechanism for GPC3 in this disorder (PMID: 30447178, 21362501, 10814714) (PVS1). This variant is absent from control populations (PM2). Based on the current evidence, this variant is classified as likely pathogenic for X-linked Simpson-Golabi-Behmel syndrome type 1.

GeneDx
Classification: Pathogenic. Last evaluated: 2025-09-16. Review status: criteria provided, single submitter. Criteria: GeneDx Variant Classification Process June 2021. Collection method: clinical testing. Allele origin: germline. Affected: yes.
Comment: Frameshift variant predicted to result in protein truncation or nonsense mediated decay in a gene for which loss of function is a known mechanism of disease; Not observed at significant frequency in large population cohorts (gnomAD); Has not been previously published as pathogenic or benign to our knowledge

Literature cited by the submitters: PubMed 30447178 (cited by Variantyx, Inc.); PubMed 21362501 (cited by Variantyx, Inc.); PubMed 10814714 (cited by Variantyx, Inc.).